The following is an entry in ClinVar:

NM_001379500.1(COL18A1):c.3608G>A (p.Arg1203His)

Genes: COL18A1 (collagen type XVIII alpha 1 chain; plus strand), SLC19A1 (solute carrier family 19 member 1; minus strand). Cytogenetic location: 21q22.3.
Variant type: single nucleotide variant.
Coding change: c.3608G>A on transcript NM_001379500.1 (MANE Select); coding-DNA position 3608, G replaced by A.
Protein change: p.Arg1203His; replaces arginine 1203 with histidine.
Molecular consequence: missense variant.
Genome position (GRCh38, 1-based): chr21:45,510,176, G>A. VCF-style: chr21-45510176-G-A. GRCh37 (hg19) VCF-style: chr21-46930090-G-A.
Other names: c.4139G>A, p.Arg1380His (NM_030582.4); c.4844G>A, p.Arg1615His (NM_130444.3); short protein forms R1615H, R1380H, R1203H.
Identifiers: ClinVar variation 1502232 (VCV001502232.3), dbSNP rs775271361, ClinGen allele CA10067973.
Genomic context (GRCh38, chr21:45,510,176, plus strand): 5'-GCGGGGCCGACTTCCAGTGCTTCCAGCAGGCGCGGGCCGTGGGGCTGGCGGGCACCTTCC[G>A]CGCCTTCCTGTCCTCGCGCCTGCAGGACCTGTACAGCATCGTGCGCCGTGCCGACCGCGC-3'
Protein context (NP_001366429.1, residues 1193-1213): ARAVGLAGTF[Arg1203His]AFLSSRLQDL

ClinVar aggregate classification (germline): Uncertain significance (1 of 4 stars; one submission).

Allele frequency attached by ClinVar (database versions not stated): gnomAD 0.00002; gnomAD exomes 0.00002; TOPMed 0.00002; ExAC 0.00006.
gnomAD v4.1: 15 of 1,596,362 alleles (0.00094%); highest among the groups gnomAD compares: African/African-American, 0.0013%; no homozygotes.

Submission:

Labcorp Genetics (formerly Invitae), Labcorp
Classification: Uncertain significance. Last evaluated: 2022-08-09. Review status: criteria provided, single submitter. Criteria: Invitae Variant Classification Sherloc (09022015). Collection method: clinical testing. Allele origin: germline.
Comment: This sequence change replaces arginine with histidine at codon 1200 of the COL18A1 protein (p.Arg1200His). There is a small physicochemical difference between arginine and histidine. This variant is present in population databases (rs775271361, gnomAD 0.007%). This variant has not been reported in the literature in individuals affected with COL18A1-related conditions. ClinVar contains an entry for this variant (Variation ID: 1502232). Experimental studies and prediction algorithms are not available or were not evaluated, and the functional significance of this variant is currently unknown. Algorithms developed to predict the effect of sequence changes on RNA splicing suggest that this variant may create or strengthen a splice site. In summary, the available evidence is currently insufficient to determine the role of this variant in disease. Therefore, it has been classified as a Variant of Uncertain Significance.